The following is an entry in ClinVar:

NM_001387430.1(SH2B1):c.1407C>G (p.Pro469=)

Gene: SH2B1 (SH2B adaptor protein 1; plus strand). Cytogenetic location: 16p11.2.
Variant type: single nucleotide variant.
Coding change: c.1407C>G on transcript NM_001387430.1 (MANE Select); coding-DNA position 1407, C replaced by G.
Protein change: p.Pro469=; no amino-acid change (proline 469 retained).
Molecular consequence: synonymous variant.
Genome position (GRCh38, 1-based): chr16:28,871,877, C>G. VCF-style: chr16-28871877-C-G. GRCh37 (hg19) VCF-style: chr16-28883198-C-G.
Other names: c.1407C>G, p.Pro469= (NM_001145795.2, NM_001145796.2, NM_001145797.2 and 4 more transcripts); c.399C>G, p.Pro133= (NM_001308294.2).
Identifiers: ClinVar variation 3358605 (VCV003358605.1).

ClinVar aggregate classification (germline): Likely benign (0 of 4 stars; one submission).

Conditions:
SH2B1-related disorder. Also called: SH2B1-related condition.

Submission:

PreventionGenetics, part of Exact Sciences
Classification: Likely benign for SH2B1-related condition. Last evaluated: 2020-12-28. Review status: no assertion criteria provided. Collection method: clinical testing. Allele origin: germline.
Comment: This variant is classified as likely benign based on ACMG/AMP sequence variant interpretation guidelines (Richards et al. 2015 PMID: 25741868, with internal and published modifications).